The following is an entry in ClinVar:

ClinVar aggregate classification (germline): Uncertain significance (1 of 4 stars; one submission).

Conditions:
Inborn genetic diseases. Identifiers: MedGen C0950123, MeSH D030342.

Submission:

Ambry Genetics
Classification: Uncertain significance for Inborn genetic diseases. Last evaluated: 2025-04-12. Review status: criteria provided, single submitter. Criteria: Ambry Variant Classification Scheme 2023. Collection method: clinical testing. Allele origin: germline.
Comment: The p.W123C variant (also known as c.369G>C), located in coding exon 3 of the G6PC3 gene, results from a G to C substitution at nucleotide position 369. The tryptophan at codon 123 is replaced by cysteine, an amino acid with highly dissimilar properties. This amino acid position is conserved. In addition, this alteration is predicted to be deleterious by in silico analysis. Based on the available evidence, the clinical significance of this variant remains unclear.

NM_138387.4(G6PC3):c.369G>C (p.Trp123Cys)

Gene: G6PC3 (glucose-6-phosphatase catalytic subunit 3; plus strand). Cytogenetic location: 17q21.31.
Variant type: single nucleotide variant.
Coding change: c.369G>C on transcript NM_138387.4 (MANE Select); coding-DNA position 369, G replaced by C.
Protein change: p.Trp123Cys; replaces tryptophan 123 with cysteine.
Molecular consequence: missense variant.
Genome position (GRCh38, 1-based): chr17:44,074,723, G>C. VCF-style: chr17-44074723-G-C. GRCh37 (hg19) VCF-style: chr17-42152091-G-C.
Other names: c.369G>C, p.Trp123Cys (NM_001319945.2); c.24G>C, p.Trp8Cys (NM_001384165.1, NM_001384166.1, NM_001384167.1 and 1 more transcripts); short protein forms W123C, W8C.
Identifiers: ClinVar variation 4027583 (VCV004027583.1).